The following is an entry in ClinVar:

ClinVar aggregate classification (germline): Uncertain significance (1 of 4 stars; one submission).

Conditions:
Atrioventricular septal defect 4 (AVSD4). Identifiers: MedGen C3280781, MONDO:0013747, OMIM 614430.

gnomAD v4.1: 1 of 1,272,216 alleles (0.000079%); highest among the groups gnomAD compares: Non-Finnish European, 0.000098%; no homozygotes.

Submission:

Labcorp Genetics (formerly Invitae), Labcorp
Classification: Uncertain significance for Atrioventricular septal defect 4. Last evaluated: 2019-04-15. Review status: criteria provided, single submitter. Criteria: Invitae Variant Classification Sherloc (09022015). Collection method: clinical testing. Allele origin: germline.
Comment: In summary, the available evidence is currently insufficient to determine the role of this variant in disease. Therefore, it has been classified as a Variant of Uncertain Significance. Algorithms developed to predict the effect of missense changes on protein structure and function (SIFT, PolyPhen-2, Align-GVGD) all suggest that this variant is likely to be tolerated, but these predictions have not been confirmed by published functional studies and their clinical significance is uncertain. This variant has not been reported in the literature in individuals with GATA4-related conditions. The frequency data for this variant in the population databases is considered unreliable, as metrics indicate insufficient coverage at this position in the ExAC database. This sequence change replaces serine with arginine at codon 133 of the GATA4 protein (p.Ser133Arg). The serine residue is weakly conserved and there is a moderate physicochemical difference between serine and arginine.

NM_001308093.3(GATA4):c.399C>A (p.Ser133Arg)

Gene: GATA4 (GATA binding protein 4). Cytogenetic location: 8p23.1.
Variant type: single nucleotide variant.
Coding change: c.399C>A on transcript NM_001308093.3 (MANE Select); coding-DNA position 399, C replaced by A.
Protein change: p.Ser133Arg; replaces serine 133 with arginine.
Molecular consequence: missense variant. On other transcripts: intron variant (3).
Genome position (GRCh38, 1-based): chr8:11,708,711, C>A. VCF-style: chr8-11708711-C-A. GRCh37 (hg19) VCF-style: chr8-11566220-C-A.
Other names: c.399C>A, p.Ser133Arg (NM_002052.5); c.-6+7933C>A (NM_001308094.2); c.-3+697C>A (NM_001374274.1); c.-3+4407C>A (NM_001374273.1); short protein forms S133R.
Identifiers: ClinVar variation 852553 (VCV000852553.9), dbSNP rs1362379796, ClinGen allele CA370309539.